The following is an entry in ClinVar:

NM_001385109.1(PHC2):c.924T>C (p.Ala308=)

Gene: PHC2 (polyhomeotic homolog 2; minus strand). Cytogenetic location: 1p35.1.
Variant type: single nucleotide variant.
Coding change: c.924T>C on transcript NM_001385109.1 (MANE Select); coding-DNA position 924, T replaced by C.
Protein change: p.Ala308=; no amino-acid change (alanine 308 retained).
Molecular consequence: synonymous variant. On other transcripts: intron variant (1).
Genome position (GRCh38, 1-based): chr1:33,367,168, A>G on the plus strand (T>C on the coding strand, the complement: PHC2 is on the minus strand). VCF-style: chr1-33367168-A-G. GRCh37 (hg19) VCF-style: chr1-33832769-A-G.
Other names: c.837T>C, p.Ala279= (NM_001330488.2, NM_001385122.1); c.990T>C, p.Ala330= (NM_001385112.1); c.924T>C, p.Ala308= (NM_001385119.1, NM_001385120.1, NM_198040.3); c.918T>C, p.Ala306= (NM_001385121.1); c.333+5121T>C (NM_001385123.1).
Identifiers: ClinVar variation 2638622 (VCV002638622.24), dbSNP rs149744822, ClinGen allele CA749484.

ClinVar aggregate classification (germline): Likely benign (1 of 4 stars; one submission).

Allele frequency attached by ClinVar (database versions not stated): 1000 Genomes Project 0.00040; gnomAD 0.00041; ExAC 0.00042; TOPMed 0.00042; gnomAD exomes 0.00052; 1000 Genomes Project 30x 0.00062; ESP Exome Variant Server 0.00077.
gnomAD v4.1: 812 of 1,614,086 alleles (0.05%); highest among the groups gnomAD compares: Non-Finnish European, 0.064%; 1 homozygote.

Submission:

CeGaT Center for Human Genetics Tuebingen
Classification: Likely benign. Last evaluated: 2022-12-01. Review status: criteria provided, single submitter. Criteria: CeGaT Center For Human Genetics Tuebingen Variant Classification Criteria Version 2. Collection method: clinical testing. Allele origin: germline. Affected: yes. Observed: 1 variant allele.
Comment: PHC2: BP4, BP7